The following is an entry in ClinVar:

NM_004385.5(VCAN):c.7759T>C (p.Tyr2587His)

Genes: VCAN (versican; plus strand), VCAN-AS1 (VCAN antisense RNA 1; minus strand). Cytogenetic location: 5q14.3.
Variant type: single nucleotide variant.
Coding change: c.7759T>C on transcript NM_004385.5 (MANE Select); coding-DNA position 7759, T replaced by C.
Protein change: p.Tyr2587His; replaces tyrosine 2587 with histidine.
Molecular consequence: missense variant. On other transcripts: intron variant (2).
Genome position (GRCh38, 1-based): chr5:83,540,762, T>C. VCF-style: chr5-83540762-T-C. GRCh37 (hg19) VCF-style: chr5-82836581-T-C.
Other names: c.4798T>C, p.Tyr1600His (NM_001164097.2); c.4004-4775T>C (NM_001164098.2); c.1043-4775T>C (NM_001126336.3); short protein forms Y2587H, Y1600H.
Identifiers: ClinVar variation 2788112 (VCV002788112.3), dbSNP rs1746940665, ClinGen allele CA360315439.

ClinVar aggregate classification (germline): Uncertain significance (1 of 4 stars; one submission).

Allele frequency attached by ClinVar (database versions not stated): TOPMed below 0.00001.

Submission:

Labcorp Genetics (formerly Invitae), Labcorp
Classification: Uncertain significance. Last evaluated: 2023-04-21. Review status: criteria provided, single submitter. Criteria: Invitae Variant Classification Sherloc (09022015). Collection method: clinical testing. Allele origin: germline.
Comment: In summary, the available evidence is currently insufficient to determine the role of this variant in disease. Therefore, it has been classified as a Variant of Uncertain Significance. An algorithm developed to predict the effect of missense changes on protein structure and function (PolyPhen-2) suggests that this variant is likely to be tolerated. This variant has not been reported in the literature in individuals affected with VCAN-related conditions. This variant is not present in population databases (gnomAD no frequency). This sequence change replaces tyrosine, which is neutral and polar, with histidine, which is basic and polar, at codon 2587 of the VCAN protein (p.Tyr2587His).